The following is an entry in ClinVar:

NM_080680.3(COL11A2):c.5156_5157delinsCC (p.Gly1719Ala)

Gene: COL11A2 (collagen type XI alpha 2 chain; minus strand). Cytogenetic location: 6p21.32.
Variant type: Indel.
Coding change: c.5156_5157delinsCC on transcript NM_080680.3 (MANE Select); coding-DNA positions 5156 to 5157, GA replaced by CC.
Protein change: p.Gly1719Ala; replaces glycine 1719 with alanine.
Molecular consequence: missense variant.
Genome position (GRCh38, 1-based): chr6:33,163,732-33,163,733, TC replaced by GG on the plus strand (GA replaced by CC on the coding strand, the reverse complement: COL11A2 is on the minus strand). VCF-style: chr6-33163732-TC-GG. GRCh37 (hg19) VCF-style: chr6-33131509-TC-GG.
Other names: c.4976_4977delinsCC, p.Gly1659Ala (NM_001424108.1); c.4310_4311delinsCC, p.Gly1437Ala (NM_001424109.1); c.4130_4131delinsCC, p.Gly1377Ala (NM_001424110.1, NM_001424111.1); c.3110_3111delinsCC, p.Gly1037Ala (NM_001424112.1); c.4835_4836delinsCC, p.Gly1612Ala (NM_080679.3); c.4898_4899delinsCC, p.Gly1633Ala (NM_080681.3); short protein forms G1659A, G1719A, G1377A, G1437A, G1612A, G1037A, G1633A.
Identifiers: ClinVar variation 3663095 (VCV003663095.2).

ClinVar aggregate classification (germline): Uncertain significance (1 of 4 stars; one submission).

Submission:

Labcorp Genetics (formerly Invitae), Labcorp
Classification: Uncertain significance. Last evaluated: 2024-08-21. Review status: criteria provided, single submitter. Criteria: Invitae Variant Classification Sherloc (09022015). Collection method: clinical testing. Allele origin: germline.
Comment: This sequence change replaces glycine, which is neutral and non-polar, with alanine, which is neutral and non-polar, at codon 1719 of the COL11A2 protein (p.Gly1719Ala). Information on the frequency of this variant in the gnomAD database is not available, as this variant may be reported differently in the database. This variant has not been reported in the literature in individuals affected with COL11A2-related conditions. Experimental studies and prediction algorithms are not available or were not evaluated, and the functional significance of this variant is currently unknown. In summary, the available evidence is currently insufficient to determine the role of this variant in disease. Therefore, it has been classified as a Variant of Uncertain Significance.